The following is an entry in ClinVar:

NM_032603.5(LOXL3):c.379C>T (p.Arg127Trp)

Genes: DOK1 (docking protein 1; plus strand), LOXL3 (lysyl oxidase like 3; minus strand). Cytogenetic location: 2p13.1.
Variant type: single nucleotide variant.
Coding change: c.379C>T on transcript NM_032603.5 (MANE Select); coding-DNA position 379, C replaced by T.
Protein change: p.Arg127Trp; replaces arginine 127 with tryptophan.
Molecular consequence: missense variant. On other transcripts: intron variant (1).
Genome position (GRCh38, 1-based): chr2:74,550,283, G>A on the plus strand (C>T on the coding strand, the complement: LOXL3 is on the minus strand). VCF-style: chr2-74550283-G-A. GRCh37 (hg19) VCF-style: chr2-74777410-G-A.
Other names: c.379C>T, p.Arg127Trp (NM_001289164.3); c.-358+1111G>A (NM_001197260.2); short protein forms R127W.
Identifiers: ClinVar variation 1466768 (VCV001466768.8), dbSNP rs1219893637, ClinGen allele CA347395600.

ClinVar aggregate classification (germline): Uncertain significance (1 of 4 stars; one submission).

Allele frequency attached by ClinVar (database versions not stated): gnomAD 0.00001; gnomAD exomes 0.00001 and 0.00002.
gnomAD v4.1: 12 of 1,613,982 alleles (0.00074%); highest among the groups gnomAD compares: East Asian, 0.016%; no homozygotes.

Submission:

Labcorp Genetics (formerly Invitae), Labcorp
Classification: Uncertain significance. Last evaluated: 2021-06-07. Review status: criteria provided, single submitter. Criteria: Invitae Variant Classification Sherloc (09022015). Collection method: clinical testing. Allele origin: germline.
Comment: This sequence change replaces arginine with tryptophan at codon 127 of the LOXL3 protein (p.Arg127Trp). The arginine residue is highly conserved and there is a moderate physicochemical difference between arginine and tryptophan. This variant is not present in population databases (ExAC no frequency). This variant has not been reported in the literature in individuals with LOXL3-related conditions. Algorithms developed to predict the effect of missense changes on protein structure and function (SIFT, PolyPhen-2, Align-GVGD) all suggest that this variant is likely to be disruptive, but these predictions have not been confirmed by published functional studies and their clinical significance is uncertain. In summary, the available evidence is currently insufficient to determine the role of this variant in disease. Therefore, it has been classified as a Variant of Uncertain Significance.